The following is an entry in ClinVar:

ClinVar aggregate classification (germline): Uncertain significance (1 of 4 stars; one submission).

Conditions:
Tumor predisposition syndrome 3 (TPDS3). Also called: Glioma susceptibility 9; LONG TELOMERE SYNDROME, POT1-RELATED; POT1 Tumor Predisposition; Melanoma, cutaneous malignant, susceptibility to, 10. Identifiers: Orphanet 618, MedGen C4014476, MONDO:0014368, OMIM 615848.

Submission:

Labcorp Genetics (formerly Invitae), Labcorp
Classification: Uncertain significance for Tumor predisposition syndrome 3. Last evaluated: 2021-10-10. Review status: criteria provided, single submitter. Criteria: Invitae Variant Classification Sherloc (09022015). Collection method: clinical testing. Allele origin: germline.
Comment: This sequence change replaces aspartic acid with glycine at codon 584 of the POT1 protein (p.Asp584Gly). The aspartic acid residue is weakly conserved and there is a moderate physicochemical difference between aspartic acid and glycine. This variant is not present in population databases (ExAC no frequency). This variant has not been reported in the literature in individuals affected with POT1-related conditions. Algorithms developed to predict the effect of missense changes on protein structure and function (SIFT, PolyPhen-2, Align-GVGD) all suggest that this variant is likely to be tolerated. Algorithms developed to predict the effect of sequence changes on RNA splicing suggest that this variant may create or strengthen a splice site. In summary, the available evidence is currently insufficient to determine the role of this variant in disease. Therefore, it has been classified as a Variant of Uncertain Significance.

NM_015450.3(POT1):c.1751A>G (p.Asp584Gly)

Gene: POT1 (protection of telomeres 1; minus strand). Cytogenetic location: 7q31.33.
Variant type: single nucleotide variant.
Coding change: c.1751A>G on transcript NM_015450.3 (MANE Select); coding-DNA position 1751, A replaced by G.
Protein change: p.Asp584Gly; replaces aspartic acid 584 with glycine.
Molecular consequence: missense variant. On other transcripts: non-coding transcript variant (3).
Genome position (GRCh38, 1-based): chr7:124,825,293, T>C on the plus strand (A>G on the coding strand, the complement: POT1 is on the minus strand). VCF-style: chr7-124825293-T-C. GRCh37 (hg19) VCF-style: chr7-124465347-T-C.
Other names: c.1358A>G, p.Asp453Gly (NM_001042594.2); short protein forms D453G, D584G.
Identifiers: ClinVar variation 1524241 (VCV001524241.6), dbSNP rs2116407804, ClinGen allele CA369062272.